The following is an entry in ClinVar:

NM_133497.4(KCNV2):c.293C>T (p.Thr98Met)

Gene: KCNV2 (potassium voltage-gated channel modifier subfamily V member 2; plus strand). Cytogenetic location: 9p24.2.
Variant type: single nucleotide variant.
Coding change: c.293C>T on transcript NM_133497.4 (MANE Select); coding-DNA position 293, C replaced by T.
Protein change: p.Thr98Met; replaces threonine 98 with methionine.
Molecular consequence: missense variant.
Genome position (GRCh38, 1-based): chr9:2,718,032, C>T. VCF-style: chr9-2718032-C-T. GRCh37 (hg19) VCF-style: chr9-2718032-C-T.
Other names: short protein forms T98M.
Identifiers: ClinVar variation 1907879 (VCV001907879.5), dbSNP rs367842869, ClinGen allele CA187970974.

ClinVar aggregate classification (germline): Uncertain significance (1 of 4 stars; one submission).

Submission:

Labcorp Genetics (formerly Invitae), Labcorp
Classification: Uncertain significance. Last evaluated: 2025-01-06. Review status: criteria provided, single submitter. Criteria: Invitae Variant Classification Sherloc (09022015). Collection method: clinical testing. Allele origin: germline.
Comment: This sequence change replaces threonine, which is neutral and polar, with methionine, which is neutral and non-polar, at codon 98 of the KCNV2 protein (p.Thr98Met). The frequency data for this variant in the population databases is considered unreliable, as metrics indicate poor data quality at this position in the gnomAD database. This variant has not been reported in the literature in individuals affected with KCNV2-related conditions. ClinVar contains an entry for this variant (Variation ID: 1907879). Invitae Evidence Modeling of protein sequence and biophysical properties (such as structural, functional, and spatial information, amino acid conservation, physicochemical variation, residue mobility, and thermodynamic stability) indicates that this missense variant is not expected to disrupt KCNV2 protein function with a negative predictive value of 95%. In summary, the available evidence is currently insufficient to determine the role of this variant in disease. Therefore, it has been classified as a Variant of Uncertain Significance.